The following is an entry in ClinVar:

ClinVar aggregate classification (germline): Pathogenic/Likely pathogenic. Review status: criteria provided, multiple submitters, no conflicts (2 of 4 stars). 9 submissions from 9 submitters: Pathogenic (7); Likely pathogenic (1). 1 of the submissions does not count toward it. Last evaluated 2026-04-22.

Conditions:
FANCI-related disorder. Also called: FANCI-related condition.
Fanconi anemia (FA). Also called: Fanconi's anemia. Identifiers: Orphanet 84, MedGen C0015625, MeSH D005199, MONDO:0019391.
Fanconi anemia complementation group I (FANCI). Also called: FANCI-Related Fanconi Anemia. Identifiers: Orphanet 84, MedGen C1836861, MONDO:0012186, OMIM 609053.
FANCI-related disorders.

Allele frequency attached by ClinVar (database versions not stated): gnomAD 0.00001; gnomAD exomes 0.00001; ExAC 0.00002; TOPMed 0.00003; 1000 Genomes Project 30x 0.00016; 1000 Genomes Project 0.00020.

Submissions (9):

Dasa
Classification: Pathogenic. Last evaluated: 2026-04-22. Review status: criteria provided, single submitter. Criteria: DASA Assertion Criteria. Collection method: clinical testing. Allele origin: germline.
Comment: NM_001113378.2(FANCI):c.1840C>T (p.Arg614*) introduces a premature termination codon predicted to result in loss of normal protein function. Loss-of-function is an established mechanism of disease for this gene. This variant has been reported in individuals with related phenotype (PMID: 17460694). The variant is present at low frequency in population datasets. Based on the available data, this variant is classified as pathogenic.

First Genomix Gene Laboratory, Genetic Diagnostics Department
Classification: Pathogenic for Fanconi anemia complementation group I. Last evaluated: 2025-08-05. Review status: criteria provided, single submitter. Criteria: ACMG Guidelines, 2015. Collection method: clinical testing. Allele origin: germline. Inheritance: Autosomal recessive inheritance. Affected: no. Observed: 1 variant allele.

PreventionGenetics, part of Exact Sciences
Classification: Pathogenic for FANCI-related condition. Last evaluated: 2025-07-24. Review status: criteria provided, single submitter. Criteria: ACMG Guidelines, 2015. Collection method: clinical testing. Allele origin: germline.
Comment: The FANCI c.1840C>T variant is predicted to result in premature protein termination (p.Arg614*). This variant has been reported in the compound heterozygous state in an individual with Fanconi anemia (Sims et al. 2007. PubMed ID: 17460694). This variant is reported in 0.012% of alleles in individuals of African descent in gnomAD. Nonsense variants in FANCI are expected to be pathogenic. This variant is interpreted as pathogenic.

Labcorp Genetics (formerly Invitae), Labcorp
Classification: Pathogenic for Fanconi anemia. Last evaluated: 2025-01-08. Review status: criteria provided, single submitter. Criteria: Invitae Variant Classification Sherloc (09022015). Collection method: clinical testing. Allele origin: germline.
Comment: This sequence change creates a premature translational stop signal (p.Arg614*) in the FANCI gene. It is expected to result in an absent or disrupted protein product. Loss-of-function variants in FANCI are known to be pathogenic (PMID: 17452773, 17460694). This variant is present in population databases (rs551399966, gnomAD 0.01%). This premature translational stop signal has been observed in individual(s) with Fanconi anemia (PMID: 17460694). ClinVar contains an entry for this variant (Variation ID: 929726). For these reasons, this variant has been classified as Pathogenic.

Fulgent Genetics
Classification: Pathogenic for Fanconi anemia complementation group I. Last evaluated: 2024-06-11. Review status: criteria provided, single submitter. Criteria: ACMG Guidelines, 2015. Collection method: clinical testing. Allele origin: germline.

Baylor Genetics
Classification: Pathogenic for Fanconi anemia complementation group I. Last evaluated: 2023-10-02. Review status: criteria provided, single submitter. Criteria: ACMG Guidelines, 2015. Collection method: clinical testing. Allele origin: unknown.

Blueprint Genetics
Classification: Likely pathogenic for FANCI-related disorders. Last evaluated: 2022-05-16. Review status: criteria provided, single submitter. Criteria: ACMG Guidelines, 2015. Collection method: clinical testing. Allele origin: germline. Affected: yes. Observed: 1 variant allele.

Revvity Omics, Revvity
Classification: Pathogenic for Fanconi anemia complementation group I. Last evaluated: 2019-07-19. Review status: criteria provided, single submitter. Criteria: ACMG Guidelines, 2015. Collection method: clinical testing. Allele origin: germline.

Leiden Open Variation Database
Classification: Pathogenic for Fanconi anemia complementation group I. Last evaluated: 2011-02-07. Review status: no assertion criteria provided. Collection method: curation. Allele origin: germline. Affected: yes. Not counted in ClinVar's aggregate classification.
Comment: Curator: Arleen D. Auerbach. Submitter to LOVD: Arleen D. Auerbach.

Literature cited by the submitters: PubMed 17460694 (cited by 3 submitters); PubMed 17452773 (cited by Labcorp Genetics (formerly Invitae), Labcorp).

NM_001113378.2(FANCI):c.1840C>T (p.Arg614Ter)

Gene: FANCI (FA complementation group I; plus strand). Cytogenetic location: 15q26.1.
Variant type: single nucleotide variant.
Coding change: c.1840C>T on transcript NM_001113378.2 (MANE Select); coding-DNA position 1840, C replaced by T.
Protein change: p.Arg614Ter; replaces arginine 614 with a stop codon.
Molecular consequence: nonsense.
Genome position (GRCh38, 1-based): chr15:89,290,231, C>T. VCF-style: chr15-89290231-C-T. GRCh37 (hg19) VCF-style: chr15-89833462-C-T.
Other names: c.1561C>T, p.Arg521Ter (NM_001376910.1); c.1840C>T, p.Arg614Ter (NM_001376911.1, NM_018193.3); short protein forms R521*, R614*.
Identifiers: ClinVar variation 929726 (VCV000929726.15), dbSNP rs551399966, ClinGen allele CA7723177.
Genomic context (GRCh38, chr15:89,290,231, plus strand): 5'-TCTCTGTTAAAGTGCTTATTTCTTCTCTTTGATTCCTCTTAGGGGTTTTATGATGTTCTT[C>T]GAAGGAACTCTCAGCTGGCTAATTCAGTCATGCAAACTCTGCTCTCACAGGTAAAATACA-3'